The following is an entry in ClinVar:

NC_000015.9:g.(?_67477100)_(67478916_?)del

Gene: SMAD3 (SMAD family member 3; plus strand). Cytogenetic location: 15q22.33.
Variant type: Deletion.
Identifiers: ClinVar variation 2425438 (VCV002425438.4).

ClinVar aggregate classification (germline): Pathogenic (1 of 4 stars; one submission).

Conditions:
Familial thoracic aortic aneurysm and aortic dissection (TAAD). Also called: Thoracic aortic aneurysms and dissections. Identifiers: Orphanet 91387, MedGen C4707243, MONDO:0019625.

Submission:

Labcorp Genetics (formerly Invitae), Labcorp
Classification: Pathogenic for Familial thoracic aortic aneurysm and aortic dissection. Last evaluated: 2022-09-06. Review status: criteria provided, single submitter. Criteria: Invitae Variant Classification Sherloc (09022015). Collection method: clinical testing. Allele origin: germline.
Comment: For these reasons, this variant has been classified as Pathogenic. This variant disrupts a region of the SMAD3 protein in which other variant(s) (p.Val331Phe) have been determined to be pathogenic (PMID: 32154675; Invitae). This suggests that this is a clinically significant region of the protein, and that variants that disrupt it are likely to be disease-causing. This variant has been observed in individual(s) with clinical features of SMAD3-related conditions (Invitae). This variant results in the deletion of part of exon 7 (c.907_1010-787del) of the SMAD3 gene. It is expected to disrupt RNA splicing. Variants that disrupt the donor or acceptor splice site typically lead to a loss of protein function (PMID: 16199547), and loss-of-function variants in SMAD3 are known to be pathogenic (PMID: 21778426, 24804794).

Literature cited by the submitters: PubMed 32154675; PubMed 16199547; PubMed 21778426; PubMed 24804794.